The following is an entry in ClinVar:

ClinVar aggregate classification (germline): Uncertain significance. Review status: criteria provided, multiple submitters, no conflicts (2 of 4 stars). 2 submissions from 2 submitters: Uncertain significance (2). Last evaluated 2024-07-28.

Conditions:
Carney complex, type 1 (CNC1). Also called: CARNEY MYXOMA-ENDOCRINE COMPLEX; CARNEY COMPLEX, TYPE I. Identifiers: Orphanet 1359, MedGen C2607929, MONDO:0008057, OMIM 160980.
Hereditary cancer-predisposing syndrome. Also called: Neoplastic Syndromes, Hereditary; Tumor predisposition; Hereditary Cancer Syndrome; Hereditary neoplastic syndrome. Identifiers: Orphanet 140162, MedGen C0027672, MeSH D009386, MONDO:0015356.

Allele frequency attached by ClinVar (database versions not stated): gnomAD exomes below 0.00001.
gnomAD v4.1: 1 of 1,613,172 alleles (0.000062%); highest among the groups gnomAD compares: South Asian, 0.0011%; no homozygotes.

Submissions (2):

Ambry Genetics
Classification: Uncertain significance for Hereditary cancer-predisposing syndrome. Last evaluated: 2024-07-28. Review status: criteria provided, single submitter. Criteria: Ambry Variant Classification Scheme 2023. Collection method: clinical testing. Allele origin: germline.
Comment: The p.E2Q variant (also known as c.4G>C), located in coding exon 1 of the PRKAR1A gene, results from a G to C substitution at nucleotide position 4. The glutamic acid at codon 2 is replaced by glutamine, an amino acid with highly similar properties. This amino acid position is conserved. In addition, this alteration is predicted to be tolerated by in silico analysis. Based on the available evidence, the clinical significance of this variant remains unclear.

Labcorp Genetics (formerly Invitae), Labcorp
Classification: Uncertain significance for Carney complex, type 1. Last evaluated: 2018-07-08. Review status: criteria provided, single submitter. Criteria: Invitae Variant Classification Sherloc (09022015). Collection method: clinical testing. Allele origin: germline.
Comment: This variant is not present in population databases (ExAC no frequency). This sequence change replaces glutamic acid with glutamine at codon 2 of the PRKAR1A protein (p.Glu2Gln). The glutamic acid residue is weakly conserved and there is a small physicochemical difference between glutamic acid and glutamine. This variant has not been reported in the literature in individuals with PRKAR1A-related disease. Algorithms developed to predict the effect of missense changes on protein structure and function (SIFT, PolyPhen-2, Align-GVGD) all suggest that this variant is likely to be tolerated, but these predictions have not been confirmed by published functional studies and their clinical significance is uncertain. In summary, the available evidence is currently insufficient to determine the role of this variant in disease. Therefore, it has been classified as a Variant of Uncertain Significance.

NM_002734.5(PRKAR1A):c.4G>C (p.Glu2Gln)

Gene: PRKAR1A (protein kinase cAMP-dependent type I regulatory subunit alpha; plus strand). Cytogenetic location: 17q24.2.
Variant type: single nucleotide variant.
Coding change: c.4G>C on transcript NM_002734.5 (MANE Select); coding-DNA position 4, G replaced by C.
Protein change: p.Glu2Gln; replaces glutamic acid 2 with glutamine.
Molecular consequence: missense variant.
Genome position (GRCh38, 1-based): chr17:68,515,403, G>C. VCF-style: chr17-68515403-G-C. GRCh37 (hg19) VCF-style: chr17-66511544-G-C.
Other names: c.4G>C (NM_002734.3); c.4G>C, p.Glu2Gln (NM_001276289.2, NM_001276290.1, NM_001278433.2 and 4 more transcripts); short protein forms E2Q.
Identifiers: ClinVar variation 649531 (VCV000649531.9), dbSNP rs1600461762, ClinGen allele CA400751761.